The following is an entry in ClinVar:

ClinVar aggregate classification (germline): Uncertain significance (1 of 4 stars; one submission).

Submission:

GeneDx
Classification: Uncertain significance. Last evaluated: 2024-09-09. Review status: criteria provided, single submitter. Criteria: GeneDx Variant Classification Process June 2021. Collection method: clinical testing. Allele origin: germline. Affected: yes.
Comment: Not observed at significant frequency in large population cohorts (gnomAD); In silico analysis supports that this missense variant has a deleterious effect on protein structure/function; Has not been previously published as pathogenic or benign to our knowledge

NM_001330360.2(POLA1):c.242A>C (p.Asp81Ala)

Gene: POLA1 (DNA polymerase alpha 1, catalytic subunit; plus strand). Cytogenetic location: Xp22.11.
Variant type: single nucleotide variant.
Coding change: c.242A>C on transcript NM_001330360.2 (MANE Select); coding-DNA position 242, A replaced by C.
Protein change: p.Asp81Ala; replaces aspartic acid 81 with alanine.
Molecular consequence: missense variant. On other transcripts: non-coding transcript variant (1).
Genome position (GRCh38, 1-based): chrX:24,703,324, A>C. VCF-style: chrX-24703324-A-C. GRCh37 (hg19) VCF-style: chrX-24721441-A-C.
Other names: c.242A>C, p.Asp81Ala (NM_001378303.1); c.224A>C, p.Asp75Ala (NM_016937.4); short protein forms D75A, D81A.
Identifiers: ClinVar variation 3767537 (VCV003767537.1).